The following is an entry in ClinVar:

ClinVar aggregate classification (germline): Pathogenic (1 of 4 stars; one submission).

Conditions:
Hereditary diffuse gastric adenocarcinoma (HDGC). Also called: DIFFUSE GASTRIC AND LOBULAR BREAST CANCER SYNDROME. Identifiers: Orphanet 26106, MedGen C1708349, MONDO:0007648, OMIM 137215.

Submission:

European Reference Network on Genetic Tumour Risk Syndromes (ERN-GENTURIS), i3s - Instituto de Investigação e Inovação em Saúde, University of Porto
Classification: Pathogenic for Hereditary diffuse gastric adenocarcinoma. Last evaluated: 2022-08-01. Review status: criteria provided, single submitter. Criteria: Lee et al. (Hum Mutat. 2018). Collection method: clinical testing. Allele origin: germline. Inheritance: Autosomal dominant inheritance. Affected: yes. Study: ERN GENTURIS.
Comment: PVS1; PS4_Supporting; PM2 (PMID: 30311375)

Literature cited by the submitters: PubMed 36436516.

NM_004360.4:c.(1565+1_1566-1)_(1711+1_1712-1)del

Gene: CDH1 (cadherin 1; plus strand).
Variant type: Deletion.
Identifiers: ClinVar variation 2502965 (VCV002502965.1).